The following is an entry in ClinVar:

ClinVar aggregate classification (germline): Conflicting classifications of pathogenicity. Review status: criteria provided, conflicting classifications (1 of 4 stars). 4 submissions from 4 submitters: Uncertain significance (3); Likely benign (1). Last evaluated 2025-12-17.

Conditions:
Familial thoracic aortic aneurysm and aortic dissection (TAAD). Also called: Thoracic aortic aneurysms and dissections. Identifiers: Orphanet 91387, MedGen C4707243, MONDO:0019625.
Aortic aneurysm, familial thoracic 4 (AAT4). Also called: AORTIC ANEURYSM/AORTIC DISSECTION AND PATENT DUCTUS ARTERIOSUS. Identifiers: MedGen C1851504, MONDO:0007568, OMIM 132900.

Allele frequency attached by ClinVar (database versions not stated): ExAC 0.00004; gnomAD exomes 0.00004; gnomAD 0.00010; TOPMed 0.00011.
gnomAD v4.1: 70 of 1,608,918 alleles (0.0044%); highest among the groups gnomAD compares: African/African-American, 0.051%; no homozygotes.

Submissions (4):

Labcorp Genetics (formerly Invitae), Labcorp
Classification: Uncertain significance for Aortic aneurysm, familial thoracic 4. Last evaluated: 2025-12-17. Review status: criteria provided, single submitter. Criteria: Invitae Variant Classification Sherloc (09022015). Collection method: clinical testing. Allele origin: germline.
Comment: This sequence change replaces aspartic acid, which is acidic and polar, with asparagine, which is neutral and polar, at codon 1764 of the MYH11 protein (p.Asp1764Asn). This variant is present in population databases (rs752996609, gnomAD 0.03%). This variant has not been reported in the literature in individuals affected with MYH11-related conditions. ClinVar contains an entry for this variant (Variation ID: 201083). Invitae Evidence Modeling of protein sequence and biophysical properties (such as structural, functional, and spatial information, amino acid conservation, physicochemical variation, residue mobility, and thermodynamic stability) indicates that this missense variant is not expected to disrupt MYH11 protein function with a negative predictive value of 95%. In summary, the available evidence is currently insufficient to determine the role of this variant in disease. Therefore, it has been classified as a Variant of Uncertain Significance.

Ambry Genetics
Classification: Uncertain significance for Familial thoracic aortic aneurysm and aortic dissection. Last evaluated: 2025-08-09. Review status: criteria provided, single submitter. Criteria: Ambry Variant Classification Scheme 2023. Collection method: clinical testing. Allele origin: germline.
Comment: The p.D1757N variant (also known as c.5269G>A), located in coding exon 36 of the MYH11 gene, results from a G to A substitution at nucleotide position 5269. The aspartic acid at codon 1757 is replaced by asparagine, an amino acid with highly similar properties. This amino acid position is well conserved in available vertebrate species. In addition, this alteration is predicted to be tolerated by in silico analysis. Since supporting evidence is limited at this time, the clinical significance of this alteration remains unclear.

Color Diagnostics, LLC DBA Color Health
Classification: Likely benign for Familial thoracic aortic aneurysm and aortic dissection. Last evaluated: 2024-07-31. Review status: criteria provided, single submitter. Criteria: ACMG Guidelines, 2015. Collection method: clinical testing. Allele origin: germline.

GeneDx
Classification: Uncertain significance. Last evaluated: 2015-09-16. Review status: criteria provided, single submitter. Criteria: GeneDx Variant Classification (06012015). Collection method: clinical testing. Allele origin: germline. Affected: yes.
Comment: The D1757N variant has not been published as a pathogenic variant, nor has it been reported as a benign variant to our knowledge. However, it has been seen in multiple individuals referred for TAAD testing at GeneDx. Furthermore, the D1757N variant was not observed in approximately 6,500 individuals of European and African American ancestry in the NHLBI Exome Sequencing Project, indicating it is not a common benign variant in these populations. This variant is a semi-conservative amino acid substitution, which may impact secondary protein structure as these residues differ in some properties. This substitution occurs at a position where amino acids with similar properties to Aspartic acid are tolerated across species, and in silico analysis predicts this variant is probably damaging to the protein structure/function. Nonetheless, additional evidence is needed to determine whether this variant is pathogenic or benign.

NM_002474.3(MYH11):c.5269G>A (p.Asp1757Asn)

Genes: NDE1 (nudE neurodevelopment protein 1; plus strand), MYH11 (myosin heavy chain 11; minus strand). Cytogenetic location: 16p13.11.
Variant type: single nucleotide variant.
Coding change: c.5269G>A on transcript NM_002474.3 (MANE Select); coding-DNA position 5269, G replaced by A.
Protein change: p.Asp1757Asn; replaces aspartic acid 1757 with asparagine.
Molecular consequence: missense variant. On other transcripts: intron variant (2).
Genome position (GRCh38, 1-based): chr16:15,718,341, C>T on the plus strand (G>A on the coding strand, the complement: MYH11 is on the minus strand). VCF-style: chr16-15718341-C-T. GRCh37 (hg19) VCF-style: chr16-15812198-C-T.
Other names: p.D1757N:GAC>AAC; c.5290G>A, p.Asp1764Asn (NM_001040113.2, NM_001040114.2); c.5269G>A, p.Asp1757Asn (NM_022844.3); c.948-5850C>T (NM_001143979.2, NM_017668.3); short protein forms D1757N, D1764N.
Identifiers: ClinVar variation 201083 (VCV000201083.14), dbSNP rs752996609, ClinGen allele CA306592.